The following is an entry in ClinVar:

NM_001142800.2(EYS):c.5645-1G>A

Gene: EYS (EGF-like photoreceptor maintenance factor; minus strand). Cytogenetic location: 6q12.
Variant type: single nucleotide variant.
Coding change: c.5645-1G>A on transcript NM_001142800.2 (MANE Select); the canonical splice acceptor site of the intron before coding-DNA position 5645, G replaced by A.
Molecular consequence: splice acceptor variant.
Genome position (GRCh38, 1-based): chr6:64,439,353, C>T on the plus strand (G>A on the coding strand, the complement: EYS is on the minus strand). VCF-style: chr6-64439353-C-T. GRCh37 (hg19) VCF-style: chr6-65149246-C-T.
Other names: c.5645-1G>A (NM_001292009.2, NM_001142800.1).
Identifiers: ClinVar variation 2675261 (VCV002675261.6), dbSNP rs2533226563, ClinGen allele CA364392928.
Genomic context (GRCh38, chr6:64,439,353, plus strand): 5'-TTAAAGCCACATTCTGAAATTCTAGATAAGAATCTCCATAATAACGAACACAACTGAAAT[C>T]TGTGGAGTCAGAAAGAAAATACAATTTAGGTTGAAATAAATATTCAATACCTAGGTTTCA-3'

ClinVar aggregate classification (germline): Likely pathogenic. Review status: criteria provided, multiple submitters, no conflicts (2 of 4 stars). 4 submissions from 4 submitters: Likely pathogenic (4). Last evaluated 2026-03-04.

Conditions:
Retinitis pigmentosa 25 (RP25). Identifiers: Orphanet 791, MedGen C1864446, MONDO:0011272, OMIM 602772.

Submissions (4):

Myriad Genetics, Inc.
Classification: Likely pathogenic for Retinitis pigmentosa 25. Last evaluated: 2026-03-04. Review status: criteria provided, single submitter. Criteria: Myriad Autosomal Dominant, Autosomal Recessive and X-Linked Classification Criteria (2023). Collection method: clinical testing. Allele origin: unknown.
Comment: NM_001142800.1(EYS):c.5645-1G>A is a variant in a canonical splice site classified as likely pathogenic in the context of retinitis pigmentosa, EYS-related. c.5645-1G>A has not been observed in cases with relevant disease. Relevant functional assessments of this variant are not available in the literature. c.5645-1G>A has not been observed in referenced population frequency databases. In summary, NM_001142800.1(EYS):c.5645-1G>A is a variant in a canonical splice site in a gene where loss of function is a known mechanism of disease and is predicted to disrupt protein function. Please note: this variant was assessed in the context of healthy population screening.

Natera, Inc.
Classification: Likely pathogenic for Retinitis pigmentosa type 25. Last evaluated: 2024-06-04. Review status: criteria provided, single submitter. Criteria: Natera Variant Classification Schema (03/2026). Collection method: clinical testing. Allele origin: germline.
Comment: The c.5645-1G>A variant in EYS is a canonical splice acceptor site variant predicted to affect pre-mRNA splicing, which may result in an abnormal transcript and altered protein product. This variant is expected to result in nonsense mediated decay, truncation, or a dysfunctional protein product. This variant is rare in the general population with a frequency below the threshold expected for the associated phenotype(s). Given the available evidence, this variant is classified as Likely Pathogenic.

Baylor Genetics
Classification: Likely pathogenic for Retinitis pigmentosa 25. Last evaluated: 2023-08-07. Review status: criteria provided, single submitter. Criteria: ACMG Guidelines, 2015. Collection method: clinical testing. Allele origin: unknown.

Labcorp Genetics (formerly Invitae), Labcorp
Classification: Likely pathogenic. Last evaluated: 2023-06-17. Review status: criteria provided, single submitter. Criteria: Invitae Variant Classification Sherloc (09022015). Collection method: clinical testing. Allele origin: germline.
Comment: Algorithms developed to predict the effect of sequence changes on RNA splicing suggest that this variant may disrupt the consensus splice site. This variant has not been reported in the literature in individuals affected with EYS-related conditions. This variant is not present in population databases (gnomAD no frequency). This sequence change affects an acceptor splice site in intron 26 of the EYS gene. It is expected to disrupt RNA splicing. Variants that disrupt the donor or acceptor splice site typically lead to a loss of protein function (PMID: 16199547), and loss-of-function variants in EYS are known to be pathogenic (PMID: 18836446, 20333770). In summary, the currently available evidence indicates that the variant is pathogenic, but additional data are needed to prove that conclusively. Therefore, this variant has been classified as Likely Pathogenic.

Literature cited by the submitters: PubMed 16199547 (cited by Labcorp Genetics (formerly Invitae), Labcorp); PubMed 18836446 (cited by Labcorp Genetics (formerly Invitae), Labcorp); PubMed 20333770 (cited by Labcorp Genetics (formerly Invitae), Labcorp).